The following is an entry in ClinVar:

NM_014363.6(SACS):c.11708G>A (p.Arg3903Gln)

Gene: SACS (sacsin molecular chaperone; minus strand). Cytogenetic location: 13q12.12.
Variant type: single nucleotide variant.
Coding change: c.11708G>A on transcript NM_014363.6 (MANE Select); coding-DNA position 11708, G replaced by A.
Protein change: p.Arg3903Gln; replaces arginine 3903 with glutamine.
Molecular consequence: missense variant.
Genome position (GRCh38, 1-based): chr13:23,332,168, C>T on the plus strand (G>A on the coding strand, the complement: SACS is on the minus strand). VCF-style: chr13-23332168-C-T. GRCh37 (hg19) VCF-style: chr13-23906307-C-T.
Other names: c.11267G>A, p.Arg3756Gln (NM_001278055.2); c.11708G>A (NM_014363.4); short protein forms R3756Q, R3903Q.
Identifiers: ClinVar variation 2421140 (VCV002421140.8), dbSNP rs768413178, ClinGen allele CA6910235.
Genomic context (GRCh38, chr13:23,332,168, plus strand): 5'-ACTAAGATGCTTGACTTTACCAATCTACCATCCTGGCTTGGGAGGTAAAGCGCAAGGTCT[C>T]GTACATTCTCGAGATCACTCCTCACCTTGACTGAATCATTCTGTAGACTCCTGAACAGAC-3'
Protein context (NP_055178.3, residues 3893-3913): VKVRSDLENV[Arg3903Gln]DLALYLPSQD

ClinVar aggregate classification (germline): Conflicting classifications of pathogenicity. Review status: criteria provided, conflicting classifications (1 of 4 stars). 3 submissions from 3 submitters: Uncertain significance (2); Likely benign (1). Last evaluated 2026-01-27.

Conditions:
Inborn genetic diseases. Identifiers: MedGen C0950123, MeSH D030342.
Spastic paraplegia. Identifiers: MedGen C0037772, HP:0001258.

Allele frequency attached by ClinVar (database versions not stated): ExAC 0.00002.
gnomAD v4.1: 9 of 1,613,894 alleles (0.00056%); highest among the groups gnomAD compares: Admixed American, 0.0067%; no homozygotes.

Submissions (3):

Labcorp Genetics (formerly Invitae), Labcorp
Classification: Likely benign for Spastic paraplegia. Last evaluated: 2026-01-27. Review status: criteria provided, single submitter. Criteria: Invitae Variant Classification Sherloc (09022015). Collection method: clinical testing. Allele origin: germline.

Ambry Genetics
Classification: Uncertain significance for Inborn genetic diseases. Last evaluated: 2025-05-21. Review status: criteria provided, single submitter. Criteria: Ambry Variant Classification Scheme 2023. Collection method: clinical testing. Allele origin: germline.

GeneDx
Classification: Uncertain significance. Last evaluated: 2023-10-20. Review status: criteria provided, single submitter. Criteria: GeneDx Variant Classification Process June 2021. Collection method: clinical testing. Allele origin: germline. Affected: yes.
Comment: In silico analysis supports that this missense variant does not alter protein structure/function; Has not been previously published as pathogenic or benign to our knowledge